The following is an entry in ClinVar:

ClinVar aggregate classification (germline): Uncertain significance (1 of 4 stars; one submission).

Conditions:
Hereditary cancer-predisposing syndrome. Also called: Hereditary neoplastic syndrome; Neoplastic Syndromes, Hereditary; Tumor predisposition; Hereditary Cancer Syndrome. Identifiers: Orphanet 140162, MedGen C0027672, MeSH D009386, MONDO:0015356.

gnomAD v4.1: 4 of 1,614,180 alleles (0.00025%); highest among the groups gnomAD compares: Admixed American, 0.0017%; no homozygotes.

Submission:

Ambry Genetics
Classification: Uncertain significance for Hereditary cancer-predisposing syndrome. Last evaluated: 2025-03-03. Review status: criteria provided, single submitter. Criteria: Ambry Variant Classification Scheme 2023. Collection method: clinical testing. Allele origin: germline.
Comment: The c.1299C>T variant (also known as p.S433S), located in coding exon 6 of the ALK gene, results from a C to T substitution at nucleotide position 1299. This nucleotide substitution does not change the amino acid at codon 433. This nucleotide position is well conserved in available vertebrate species. In silico splice site analysis for this alteration is inconclusive. Based on the available evidence, the clinical significance of this variant remains unclear.

NM_004304.5(ALK):c.1299C>T (p.Ser433=)

Gene: ALK (ALK receptor tyrosine kinase; minus strand). Cytogenetic location: 2p23.2.
Variant type: single nucleotide variant.
Coding change: c.1299C>T on transcript NM_004304.5 (MANE Select); coding-DNA position 1299, C replaced by T.
Protein change: p.Ser433=; no amino-acid change (serine 433 retained).
Molecular consequence: synonymous variant.
Genome position (GRCh38, 1-based): chr2:29,328,465, G>A on the plus strand (C>T on the coding strand, the complement: ALK is on the minus strand). VCF-style: chr2-29328465-G-A. GRCh37 (hg19) VCF-style: chr2-29551331-G-A.
Identifiers: ClinVar variation 3855759 (VCV003855759.1).
Genomic context (GRCh38, chr2:29,328,465, plus strand): 5'-CTGCCCAAGCTGGAGGACTGTCCCATTCCAACAAGTGAAGGAGCTCTGCAGGGCCATCTT[G>A]GAGCCTGGGGATGTTCCTGGAGAGCACACAGACACACAACCATGGTAAGTTTGCATGGCC-3'
Protein context (NP_004295.2, residues 423-443): KNCSEGTSPG[Ser433=]KMALQSSFTC